The following is an entry in ClinVar:

NM_173602.3(DIP2B):c.685T>A (p.Ser229Thr)

Gene: DIP2B (DIP2 acetate--CoA ligase B (putative); plus strand). Cytogenetic location: 12q13.12.
Variant type: single nucleotide variant.
Coding change: c.685T>A on transcript NM_173602.3 (MANE Select); coding-DNA position 685, T replaced by A.
Protein change: p.Ser229Thr; replaces serine 229 with threonine.
Molecular consequence: missense variant.
Genome position (GRCh38, 1-based): chr12:50,674,518, T>A. VCF-style: chr12-50674518-T-A. GRCh37 (hg19) VCF-style: chr12-51068301-T-A.
Other names: short protein forms S229T.
Identifiers: ClinVar variation 930932 (VCV000930932.3), dbSNP rs1938911020, ClinGen allele CA384835426.
Genomic context (GRCh38, chr12:50,674,518, plus strand): 5'-TGTTTTCTCCTCTCAGAGAATTTCTCTGCTCCTCCTGATGTCACTACAACTACCTCTTCC[T>A]CCTCATCATCTTCCTCAATTCGCCCAGCAAACATTGACCTGCCCCCCTCGGGGATAGTTA-3'
Protein context (NP_775873.2, residues 219-239): PPDVTTTTSS[Ser229Thr]SSSSSIRPAN

ClinVar aggregate classification (germline): Uncertain significance (1 of 4 stars; one submission).

Conditions:
Intellectual developmental disorder, FRA12A type. Also called: Intellectual disability, FRA12A type. Identifiers: MedGen C1969893, MONDO:0007634, OMIM 136630.

Allele frequency attached by ClinVar (database versions not stated): gnomAD exomes below 0.00001.
gnomAD v4.1: 2 of 1,614,224 alleles (0.00012%); highest among the groups gnomAD compares: Non-Finnish European, 0.00017%; no homozygotes.

Submission:

Centre for Mendelian Genomics, University Medical Centre Ljubljana
Classification: Uncertain significance for Intellectual developmental disorder, FRA12A type. Last evaluated: 2018-10-22. Review status: criteria provided, single submitter. Criteria: ACMG Guidelines, 2015. Collection method: clinical testing. Allele origin: unknown. Affected: yes.
Comment: This variant was classified as: Uncertain significance. The available evidence on this variant's pathogenicity is insufficient or conflicting. The following ACMG criteria were applied in classifying this variant: PM2.